The following is an entry in ClinVar:

ClinVar aggregate classification (germline): Likely pathogenic (1 of 4 stars; one submission).

Conditions:
Pitt-Hopkins syndrome (PTHS). Also called: ENCEPHALOPATHY, SEVERE EPILEPTIC, WITH AUTONOMIC DYSFUNCTION; MENTAL RETARDATION, SYNDROMAL, WITH INTERMITTENT HYPERVENTILATION. Identifiers: Orphanet 2896, MedGen C1970431, MONDO:0012589, OMIM 610954.

Submission:

Labcorp Genetics (formerly Invitae), Labcorp
Classification: Likely pathogenic for Pitt-Hopkins syndrome. Last evaluated: 2021-07-16. Review status: criteria provided, single submitter. Criteria: Invitae Variant Classification Sherloc (09022015). Collection method: clinical testing. Allele origin: germline.
Comment: This sequence change replaces aspartic acid with glycine at codon 540 of the TCF4 protein (p.Asp540Gly). The aspartic acid residue is moderately conserved and there is a moderate physicochemical difference between aspartic acid and glycine. This variant is not present in population databases (ExAC no frequency). This variant has been observed in individual(s) with clinical features of Pitt-Hopkins syndrome (Invitae). In at least one individual the variant was observed to be de novo. Algorithms developed to predict the effect of missense changes on protein structure and function are either unavailable or do not agree on the potential impact of this missense change (SIFT: "Tolerated"; PolyPhen-2: "Possibly Damaging"; Align-GVGD: "Class C0"). Algorithms developed to predict the effect of sequence changes on RNA splicing suggest that this variant may create or strengthen a splice site, but this prediction has not been confirmed by published transcriptional studies. In summary, the currently available evidence indicates that the variant is pathogenic, but additional data are needed to prove that conclusively. Therefore, this variant has been classified as Likely Pathogenic.

NM_001083962.2(TCF4):c.1619A>G (p.Asp540Gly)

Gene: TCF4 (transcription factor 4; minus strand). Cytogenetic location: 18q21.2.
Variant type: single nucleotide variant.
Coding change: c.1619A>G on transcript NM_001083962.2 (MANE Select); coding-DNA position 1619, A replaced by G.
Protein change: p.Asp540Gly; replaces aspartic acid 540 with glycine.
Molecular consequence: missense variant.
Genome position (GRCh38, 1-based): chr18:55,232,539, T>C on the plus strand (A>G on the coding strand, the complement: TCF4 is on the minus strand). VCF-style: chr18-55232539-T-C. GRCh37 (hg19) VCF-style: chr18-52899770-T-C.
Other names: c.1925A>G, p.Asp642Gly (NM_001243226.3); c.1547A>G, p.Asp516Gly (NM_001243227.2, NM_001306207.1, NM_001369575.1 and 5 more transcripts); c.1637A>G, p.Asp546Gly (NM_001243228.2); c.1610A>G, p.Asp537Gly (NM_001243230.2); c.1493A>G, p.Asp498Gly (NM_001243231.2, NM_001348211.2); c.1406A>G, p.Asp469Gly (NM_001243232.1, NM_001306208.1); c.1229A>G, p.Asp410Gly (NM_001243233.2, NM_001330605.3, NM_001348212.2 and 1 more transcripts); c.1139A>G, p.Asp380Gly (NM_001243234.2, NM_001243235.2, NM_001243236.2 and 1 more transcripts); and 6 more; short protein forms D515G, D546G, D642G, D380G, D498G, D540G, D324G, D379G.
Identifiers: ClinVar variation 943528 (VCV000943528.9), dbSNP rs1568329461, ClinGen allele CA402529881.
Genomic context (GRCh38, chr18:55,232,539, plus strand): 5'-AAATGAAGCGACAGTATTATATACTGTTACCTAGATCTTGACCTAGTAATTGATTTGATA[T>C]CCTTCTTGTCGTCATCTAATTTCTTGTCCTCCGAAGATTTCGTGTCTTGCAGGTTCTCAT-3'
Protein context (NP_001077431.1, residues 530-550): EDKKLDDDKK[Asp540Gly]IKSITRSRSS